The following is an entry in ClinVar:

ClinVar aggregate classification (germline): Pathogenic (1 of 4 stars; one submission).

Conditions:
DYRK1A-related intellectual disability syndrome (MRD7). Also called: DYRK1A Syndrome; Intellectual developmental disorder, autosomal dominant 7. Identifiers: Orphanet 464306, MedGen C5568143, MONDO:0013578, OMIM 614104.

gnomAD v4.1: 1 of 1,607,820 alleles (0.000062%); highest among the groups gnomAD compares: Non-Finnish European, 0.000085%; no homozygotes.

Submission:

Labcorp Genetics (formerly Invitae), Labcorp
Classification: Pathogenic for DYRK1A-related intellectual disability syndrome. Last evaluated: 2020-03-23. Review status: criteria provided, single submitter. Criteria: Invitae Variant Classification Sherloc (09022015). Collection method: clinical testing. Allele origin: germline.
Comment: This variant is not present in population databases (ExAC no frequency). This variant has been observed in an individual affected with multiple congenital anomalies (PMID: 26633542). Loss-of-function variants in DYRK1A are known to be pathogenic (PMID: 25944381). For these reasons, this variant has been classified as Pathogenic. This sequence change creates a premature translational stop signal (p.Tyr159*) in the DYRK1A gene. It is expected to result in an absent or disrupted protein product.

Literature cited by the submitters: PubMed 26633542; PubMed 25944381.

NM_001347721.2(DYRK1A):c.450C>G (p.Tyr150Ter)

Gene: DYRK1A (dual specificity tyrosine phosphorylation regulated kinase 1A; plus strand). Cytogenetic location: 21q22.13.
Variant type: single nucleotide variant.
Coding change: c.450C>G on transcript NM_001347721.2 (MANE Select); coding-DNA position 450, C replaced by G.
Protein change: p.Tyr150Ter; replaces tyrosine 150 with a stop codon.
Molecular consequence: nonsense.
Genome position (GRCh38, 1-based): chr21:37,480,787, C>G. VCF-style: chr21-37480787-C-G. GRCh37 (hg19) VCF-style: chr21-38853089-C-G.
Other names: c.450C>G, p.Tyr150Ter (NM_001347722.2, NM_130436.2); c.363C>G, p.Tyr121Ter (NM_001347723.2); c.477C>G, p.Tyr159Ter (NM_001396.5, NM_101395.2, NM_130438.2); short protein forms Y150*, Y121*, Y159*.
Identifiers: ClinVar variation 855931 (VCV000855931.10), dbSNP rs1049773, ClinGen allele CA409944543.